The following is an entry in ClinVar:

NM_003803.4(MYOM1):c.361C>G (p.His121Asp)

Gene: MYOM1 (myomesin 1; minus strand). Cytogenetic location: 18p11.31.
Variant type: single nucleotide variant.
Coding change: c.361C>G on transcript NM_003803.4 (MANE Select); coding-DNA position 361, C replaced by G.
Protein change: p.His121Asp; replaces histidine 121 with aspartic acid.
Molecular consequence: missense variant.
Genome position (GRCh38, 1-based): chr18:3,193,888, G>C on the plus strand (C>G on the coding strand, the complement: MYOM1 is on the minus strand). VCF-style: chr18-3193888-G-C. GRCh37 (hg19) VCF-style: chr18-3193886-G-C.
Other names: c.361C>G, p.His121Asp (NM_019856.2); short protein forms H121D.
Identifiers: ClinVar variation 3699019 (VCV003699019.2).

ClinVar aggregate classification (germline): Uncertain significance (1 of 4 stars; one submission).

Conditions:
Hypertrophic cardiomyopathy. Also called: HYPERTROPHIC MYOCARDIOPATHY. Identifiers: Orphanet 217569, MedGen C0007194, MeSH D002312, MONDO:0005045, HP:0001639.

gnomAD v4.1: 1 of 1,613,884 alleles (0.000062%); highest among the groups gnomAD compares: Non-Finnish European, 0.000085%; no homozygotes.

Submission:

Labcorp Genetics (formerly Invitae), Labcorp
Classification: Uncertain significance for Hypertrophic cardiomyopathy. Last evaluated: 2024-10-13. Review status: criteria provided, single submitter. Criteria: Invitae Variant Classification Sherloc (09022015). Collection method: clinical testing. Allele origin: germline.
Comment: This sequence change replaces histidine, which is basic and polar, with aspartic acid, which is acidic and polar, at codon 121 of the MYOM1 protein (p.His121Asp). This variant is not present in population databases (gnomAD no frequency). This variant has not been reported in the literature in individuals affected with MYOM1-related conditions. An algorithm developed to predict the effect of missense changes on protein structure and function (PolyPhen-2) suggests that this variant is likely to be tolerated. In summary, the available evidence is currently insufficient to determine the role of this variant in disease. Therefore, it has been classified as a Variant of Uncertain Significance.